The following is an entry in ClinVar:

ClinVar aggregate classification (germline): Uncertain significance (1 of 4 stars; one submission).

Conditions:
Intellectual developmental disorder, autosomal dominant 43. Also called: Intellectual disability, autosomal dominant 43. Identifiers: MedGen C4707429, MONDO:0014858, OMIM 616977.

gnomAD v4.1: 5 of 1,614,140 alleles (0.00031%); highest among the groups gnomAD compares: South Asian, 0.0011%; no homozygotes.

Submission:

Neuberg Centre For Genomic Medicine, NCGM
Classification: Uncertain significance for Intellectual developmental disorder, autosomal dominant 43. Last evaluated: 2023-05-20. Review status: criteria provided, single submitter. Criteria: ACMG Guidelines, 2015. Collection method: clinical testing. Allele origin: germline. Inheritance: Autosomal dominant inheritance. Affected: yes.
Comment: The missense variant c.6668G>A (p.Arg2223Gln) in the HIVEP2 gene has not been reported previously as a pathogenic variant nor as a benign variant, to our knowledge. This variant is reported with the allele frequency (0.0008%) in the gnomAD Exomes and absent in 1000 Genomes. The amino acid Arginine at position 2223 is changed to a Glutamine changing protein sequence and it might alter its composition and physico-chemical properties. Multiple lines of computational evidence (Polyphen - Damaging, SIFT - Damaging and MutationTaster - Disease causing) predict a damaging effect on protein structure and function for this variant. The amino acid change p.Arg2223Gln in HIVEP2 is predicted as conserved by GERP++ and PhyloP across 100 vertebrates. For these reasons, this variant has been classified as Uncertain Significance

NM_006734.4(HIVEP2):c.6668G>A (p.Arg2223Gln)

Gene: HIVEP2 (HIVEP zinc finger 2; minus strand). Cytogenetic location: 6q24.2.
Variant type: single nucleotide variant.
Coding change: c.6668G>A on transcript NM_006734.4 (MANE Select); coding-DNA position 6668, G replaced by A.
Protein change: p.Arg2223Gln; replaces arginine 2223 with glutamine.
Molecular consequence: missense variant.
Genome position (GRCh38, 1-based): chr6:142,753,780, C>T on the plus strand (G>A on the coding strand, the complement: HIVEP2 is on the minus strand). VCF-style: chr6-142753780-C-T. GRCh37 (hg19) VCF-style: chr6-143074917-C-T.
Other names: short protein forms R2223Q.
Identifiers: ClinVar variation 3341402 (VCV003341402.1).